The following is an entry in ClinVar:

NM_001567.4(INPPL1):c.231T>A (p.Asp77Glu)

Gene: INPPL1 (inositol polyphosphate phosphatase like 1; plus strand). Cytogenetic location: 11q13.4.
Variant type: single nucleotide variant.
Coding change: c.231T>A on transcript NM_001567.4 (MANE Select); coding-DNA position 231, T replaced by A.
Protein change: p.Asp77Glu; replaces aspartic acid 77 with glutamic acid.
Molecular consequence: missense variant.
Genome position (GRCh38, 1-based): chr11:72,228,238, T>A. VCF-style: chr11-72228238-T-A. GRCh37 (hg19) VCF-style: chr11-71939282-T-A.
Other names: short protein forms D77E.
Identifiers: ClinVar variation 1036528 (VCV001036528.8), dbSNP rs770931620, ClinGen allele CA6169583.

ClinVar aggregate classification (germline): Uncertain significance (1 of 4 stars; one submission).

Allele frequency attached by ClinVar (database versions not stated): gnomAD exomes below 0.00001; ExAC 0.00001.
gnomAD v4.1: 2 of 1,614,030 alleles (0.00012%); highest among the groups gnomAD compares: Non-Finnish European, 0.00017%; no homozygotes.

Submission:

Labcorp Genetics (formerly Invitae), Labcorp
Classification: Uncertain significance. Last evaluated: 2022-07-12. Review status: criteria provided, single submitter. Criteria: Invitae Variant Classification Sherloc (09022015). Collection method: clinical testing. Allele origin: germline.
Comment: In summary, the available evidence is currently insufficient to determine the role of this variant in disease. Therefore, it has been classified as a Variant of Uncertain Significance. This sequence change replaces aspartic acid, which is acidic and polar, with glutamic acid, which is acidic and polar, at codon 77 of the INPPL1 protein (p.Asp77Glu). This variant is present in population databases (rs770931620, gnomAD 0.0009%). This variant has not been reported in the literature in individuals affected with INPPL1-related conditions. ClinVar contains an entry for this variant (Variation ID: 1036528). Algorithms developed to predict the effect of missense changes on protein structure and function (SIFT, PolyPhen-2, Align-GVGD) all suggest that this variant is likely to be tolerated.